The following is an entry in ClinVar:

NM_000051.4(ATM):c.3427A>T (p.Thr1143Ser)

Gene: ATM (ATM serine/threonine kinase; plus strand). Cytogenetic location: 11q22.3.
Variant type: single nucleotide variant.
Coding change: c.3427A>T on transcript NM_000051.4 (MANE Select); coding-DNA position 3427, A replaced by T.
Protein change: p.Thr1143Ser; replaces threonine 1143 with serine.
Molecular consequence: missense variant.
Genome position (GRCh38, 1-based): chr11:108,281,019, A>T. VCF-style: chr11-108281019-A-T. GRCh37 (hg19) VCF-style: chr11-108151746-A-T.
Other names: c.3427A>T, p.Thr1143Ser (NM_001351834.2); short protein forms T1143S.
Identifiers: ClinVar variation 453466 (VCV000453466.18), dbSNP rs1555091146, ClinGen allele CA382519076.

ClinVar aggregate classification (germline): Uncertain significance. Review status: criteria provided, multiple submitters, no conflicts (2 of 4 stars). 3 submissions from 3 submitters: Uncertain significance (2). 1 of the submissions does not count toward it. Last evaluated 2024-05-06.

Conditions:
Hereditary cancer-predisposing syndrome. Also called: Tumor predisposition; Hereditary Cancer Syndrome; Neoplastic Syndromes, Hereditary; Hereditary neoplastic syndrome. Identifiers: Orphanet 140162, MedGen C0027672, MeSH D009386, MONDO:0015356.
Ataxia-telangiectasia syndrome (AT). Also called: Cerebello-oculocutaneous telangiectasia; Immunodeficiency with ataxia telangiectasia; Ataxia-telangiectasia, complementation group D; AT, COMPLEMENTATION GROUP C; Ataxia-telangiectasia, complementation group E; LOUIS-BAR SYNDROME. Identifiers: Orphanet 100, MedGen C0004135, MONDO:0008840, OMIM 208900.

Allele frequency attached by ClinVar (database versions not stated): gnomAD exomes below 0.00001; TOPMed below 0.00001.
gnomAD v4.1: 1 of 1,613,222 alleles (0.000062%); highest among the groups gnomAD compares: Non-Finnish European, 0.000085%; no homozygotes.

Submissions (3):

Labcorp Genetics (formerly Invitae), Labcorp
Classification: Uncertain significance for Ataxia-telangiectasia syndrome. Last evaluated: 2024-05-06. Review status: criteria provided, single submitter. Criteria: Invitae Variant Classification Sherloc (09022015). Collection method: clinical testing. Allele origin: germline.
Comment: This sequence change replaces threonine, which is neutral and polar, with serine, which is neutral and polar, at codon 1143 of the ATM protein (p.Thr1143Ser). This variant is not present in population databases (gnomAD no frequency). This variant has not been reported in the literature in individuals affected with ATM-related conditions. ClinVar contains an entry for this variant (Variation ID: 453466). Algorithms developed to predict the effect of missense changes on protein structure and function output the following: SIFT: "Not Available"; PolyPhen-2: "Benign"; Align-GVGD: "Not Available". The serine amino acid residue is found in multiple mammalian species, which suggests that this missense change does not adversely affect protein function. In summary, the available evidence is currently insufficient to determine the role of this variant in disease. Therefore, it has been classified as a Variant of Uncertain Significance.

Ambry Genetics
Classification: Uncertain significance for Hereditary cancer-predisposing syndrome. Last evaluated: 2023-10-19. Review status: criteria provided, single submitter. Criteria: Ambry Variant Classification Scheme 2023. Collection method: clinical testing. Allele origin: germline.
Comment: The p.T1143S variant (also known as c.3427A>T), located in coding exon 23 of the ATM gene, results from an A to T substitution at nucleotide position 3427. The threonine at codon 1143 is replaced by serine, an amino acid with similar properties. This amino acid position is poorly conserved in available vertebrate species. In addition, this alteration is predicted to be tolerated by in silico analysis. Since supporting evidence is limited at this time, the clinical significance of this alteration remains unclear.

Natera, Inc.
Classification: Uncertain significance for Ataxia-telangiectasia. Last evaluated: 2020-10-06. Review status: no assertion criteria provided. Collection method: clinical testing. Allele origin: germline. Not counted in ClinVar's aggregate classification.